The following is an entry in ClinVar:

ClinVar aggregate classification (germline): Uncertain significance (1 of 4 stars; one submission).

Allele frequency attached by ClinVar (database versions not stated): gnomAD 0.00001; gnomAD exomes 0.00001 and 0.00002; TOPMed 0.00001.
gnomAD v4.1: 11 of 1,614,004 alleles (0.00068%); highest among the groups gnomAD compares: Admixed American, 0.012%; no homozygotes.

Submission:

Labcorp Genetics (formerly Invitae), Labcorp
Classification: Uncertain significance. Last evaluated: 2022-03-23. Review status: criteria provided, single submitter. Criteria: Invitae Variant Classification Sherloc (09022015). Collection method: clinical testing. Allele origin: germline.
Comment: This sequence change replaces arginine, which is basic and polar, with cysteine, which is neutral and slightly polar, at codon 36 of the CEP19 protein (p.Arg36Cys). This variant is present in population databases (no rsID available, gnomAD 0.009%). This variant has not been reported in the literature in individuals affected with CEP19-related conditions. ClinVar contains an entry for this variant (Variation ID: 961594). Algorithms developed to predict the effect of missense changes on protein structure and function (SIFT, PolyPhen-2, Align-GVGD) all suggest that this variant is likely to be disruptive. In summary, the available evidence is currently insufficient to determine the role of this variant in disease. Therefore, it has been classified as a Variant of Uncertain Significance.

NM_032898.5(CEP19):c.94C>T (p.Arg32Cys)

Gene: CEP19 (centrosomal protein 19; minus strand). Cytogenetic location: 3q29.
Variant type: single nucleotide variant.
Coding change: c.94C>T on transcript NM_032898.5 (MANE Select); coding-DNA position 94, C replaced by T.
Protein change: p.Arg32Cys; replaces arginine 32 with cysteine.
Molecular consequence: missense variant. On other transcripts: intron variant (1).
Genome position (GRCh38, 1-based): chr3:196,708,564, G>A on the plus strand (C>T on the coding strand, the complement: CEP19 is on the minus strand). VCF-style: chr3-196708564-G-A. GRCh37 (hg19) VCF-style: chr3-196435435-G-A.
Other names: c.94C>T, p.Arg32Cys (NM_001379469.1, NM_001379470.1); c.26-652C>T (NM_001379468.1); short protein forms R32C.
Identifiers: ClinVar variation 961594 (VCV000961594.3), dbSNP rs1356324447, ClinGen allele CA355634778.